The following is an entry in ClinVar:

ClinVar aggregate classification (germline): Uncertain significance (1 of 4 stars; one submission).

Conditions:
Neurodevelopmental disorder with or without early-onset generalized epilepsy. Identifiers: MedGen C5436914, MONDO:0030930, OMIM 619157.

Allele frequency attached by ClinVar (database versions not stated): gnomAD exomes below 0.00001.
gnomAD v4.1: 2 of 1,604,558 alleles (0.00012%); highest among the groups gnomAD compares: South Asian, 0.0022%; no homozygotes.

Submission:

Neuberg Centre For Genomic Medicine, NCGM
Classification: Uncertain significance for Neurodevelopmental disorder with or without early-onset generalized epilepsy. Review status: criteria provided, single submitter. Criteria: ACMG Guidelines, 2015. Collection method: clinical testing. Allele origin: germline. Inheritance: Autosomal dominant inheritance. Affected: yes.
Comment: The missense variant in c.2864A>G (p.Lys955Arg) in NBEA gene has not been reported previously as a pathogenic variant nor as a benign variant, to our knowledge. The p.Lys955Arg variant is novel (not in any individuals) in gnomAD Exomes and 1000 Genomes. This variant has not been reported to the ClinVar database. The amino acid Lys at position 955 is changed to a Arg changing protein sequence and it might alter its composition and physico-chemical properties. The amino acid change p.Lys955Arg in NBEA is predicted as conserved by GERP++ and PhyloP across 100 vertebrates. For these reasons, this variant has been classified as Uncertain Significance (VUS).

NM_001385012.1(NBEA):c.2864A>G (p.Lys955Arg)

Gene: NBEA (neurobeachin; plus strand). Cytogenetic location: 13q13.3.
Variant type: single nucleotide variant.
Coding change: c.2864A>G on transcript NM_001385012.1 (MANE Select); coding-DNA position 2864, A replaced by G.
Protein change: p.Lys955Arg; replaces lysine 955 with arginine.
Molecular consequence: missense variant.
Genome position (GRCh38, 1-based): chr13:35,159,035, A>G. VCF-style: chr13-35159035-A-G. GRCh37 (hg19) VCF-style: chr13-35733172-A-G.
Other names: c.2864A>G, p.Lys955Arg (NM_001379245.1, NM_015678.5); short protein forms K955R.
Identifiers: ClinVar variation 2585622 (VCV002585622.1), dbSNP rs2503621287, ClinGen allele CA387836195.
Genomic context (GRCh38, chr13:35,159,035, plus strand): 5'-ATGTACAAAATGCCTTAATGTTTTCTTTACTTATTCCTAAGGTCACTTATGAAGCTCATA[A>G]GGAATACCTAGCCAAAATGTATGAGGAATATCAAAGACAAGAGGAGGAAAACATTAAAAA-3'
Protein context (NP_001371941.1, residues 945-965): AHSKVTYEAH[Lys955Arg]EYLAKMYEEY